The following is an entry in ClinVar:

NM_139076.3(ABRAXAS1):c.1111A>C (p.Lys371Gln)

Gene: ABRAXAS1 (abraxas 1, BRCA1 A complex subunit; minus strand). Cytogenetic location: 4q21.23.
Variant type: single nucleotide variant.
Coding change: c.1111A>C on transcript NM_139076.3 (MANE Select); coding-DNA position 1111, A replaced by C.
Protein change: p.Lys371Gln; replaces lysine 371 with glutamine.
Molecular consequence: missense variant.
Genome position (GRCh38, 1-based): chr4:83,462,588, T>G on the plus strand (A>C on the coding strand, the complement: ABRAXAS1 is on the minus strand). VCF-style: chr4-83462588-T-G. GRCh37 (hg19) VCF-style: chr4-84383741-T-G.
Other names: c.784A>C, p.Lys262Gln (NM_001345962.2); short protein forms K262Q, K371Q.
Identifiers: ClinVar variation 3229132 (VCV003229132.1), dbSNP rs2529418174, ClinGen allele CA357255113.

ClinVar aggregate classification (germline): Uncertain significance (1 of 4 stars; one submission).

Submission:

Ambry Genetics
Classification: Uncertain significance. Last evaluated: 2023-12-14. Review status: criteria provided, single submitter. Criteria: Ambry Variant Classification Scheme 2023. Collection method: clinical testing. Allele origin: germline.
Comment: The p.K371Q variant (also known as c.1111A>C), located in coding exon 9 of the FAM175A gene, results from an A to C substitution at nucleotide position 1111. The lysine at codon 371 is replaced by glutamine, an amino acid with similar properties. This amino acid position is conserved. In addition, this alteration is predicted to be tolerated by in silico analysis. Since supporting evidence is limited at this time, the clinical significance of this alteration remains unclear.